The following is an entry in ClinVar:

NM_004385.5(VCAN):c.3280C>G (p.Pro1094Ala)

Gene: VCAN (versican; plus strand). Cytogenetic location: 5q14.3.
Variant type: single nucleotide variant.
Coding change: c.3280C>G on transcript NM_004385.5 (MANE Select); coding-DNA position 3280, C replaced by G.
Protein change: p.Pro1094Ala; replaces proline 1094 with alanine.
Molecular consequence: missense variant. On other transcripts: intron variant (2).
Genome position (GRCh38, 1-based): chr5:83,521,586, C>G. VCF-style: chr5-83521586-C-G. GRCh37 (hg19) VCF-style: chr5-82817405-C-G.
Other names: c.3280C>G, p.Pro1094Ala (NM_001164098.2); c.1042+9190C>G (NM_001164097.2, NM_001126336.3); short protein forms P1094A.
Identifiers: ClinVar variation 937465 (VCV000937465.11), dbSNP rs140933632, ClinGen allele CA3332986.

ClinVar aggregate classification (germline): Conflicting classifications of pathogenicity. Review status: criteria provided, conflicting classifications (1 of 4 stars). 3 submissions from 3 submitters: Uncertain significance (2); Likely benign (1). Last evaluated 2025-12-21.

Conditions:
Inborn genetic diseases. Identifiers: MedGen C0950123, MeSH D030342.

Allele frequency attached by ClinVar (database versions not stated): ExAC 0.00003; gnomAD 0.00005 and 0.00006; gnomAD exomes 0.00006; TOPMed 0.00007; ESP Exome Variant Server 0.00015.
gnomAD v4.1: 138 of 1,613,888 alleles (0.0086%); highest among the groups gnomAD compares: Non-Finnish European, 0.011%; no homozygotes.

Submissions (3):

Labcorp Genetics (formerly Invitae), Labcorp
Classification: Uncertain significance. Last evaluated: 2025-12-21. Review status: criteria provided, single submitter. Criteria: Invitae Variant Classification Sherloc (09022015). Collection method: clinical testing. Allele origin: germline.
Comment: This sequence change replaces proline, which is neutral and non-polar, with alanine, which is neutral and non-polar, at codon 1094 of the VCAN protein (p.Pro1094Ala). This variant is present in population databases (rs140933632, gnomAD 0.01%). This variant has not been reported in the literature in individuals affected with VCAN-related conditions. ClinVar contains an entry for this variant (Variation ID: 937465). An algorithm developed to predict the effect of missense changes on protein structure and function (PolyPhen-2) suggests that this variant is likely to be disruptive. In summary, the available evidence is currently insufficient to determine the role of this variant in disease. Therefore, it has been classified as a Variant of Uncertain Significance.

Blueprint Genetics
Classification: Likely benign. Last evaluated: 2023-08-18. Review status: criteria provided, single submitter. Criteria: ACMG Guidelines, 2015. Collection method: clinical testing. Allele origin: germline.

Ambry Genetics
Classification: Uncertain significance for Inborn genetic diseases. Last evaluated: 2022-09-27. Review status: criteria provided, single submitter. Criteria: Ambry Variant Classification Scheme 2023. Collection method: clinical testing. Allele origin: germline.